The following is an entry in ClinVar:

NM_001100913.3(PACS2):c.959G>T (p.Arg320Leu)

Gene: PACS2 (phosphofurin acidic cluster sorting protein 2; plus strand). Cytogenetic location: 14q32.33.
Variant type: single nucleotide variant.
Coding change: c.959G>T on transcript NM_001100913.3 (MANE Select); coding-DNA position 959, G replaced by T.
Protein change: p.Arg320Leu; replaces arginine 320 with leucine.
Molecular consequence: missense variant.
Genome position (GRCh38, 1-based): chr14:105,376,925, G>T. VCF-style: chr14-105376925-G-T. GRCh37 (hg19) VCF-style: chr14-105843262-G-T.
Other names: c.734G>T, p.Arg245Leu (NM_001243127.3); c.959G>T, p.Arg320Leu (NM_015197.4); short protein forms R245L, R320L.
Identifiers: ClinVar variation 4680940 (VCV004680940.1).

ClinVar aggregate classification (germline): Uncertain significance (1 of 4 stars; one submission).

Submission:

GeneDx
Classification: Uncertain significance. Last evaluated: 2025-07-02. Review status: criteria provided, single submitter. Criteria: GeneDx Variant Classification Process June 2021. Collection method: clinical testing. Allele origin: germline. Affected: yes.
Comment: Not observed at significant frequency in large population cohorts (gnomAD); In silico analysis supports that this missense variant has a deleterious effect on protein structure/function; Has not been previously published as pathogenic or benign to our knowledge